The following is an entry in ClinVar:

NM_201525.4(ADGRG1):c.-36+10587_-36+10601del

Gene: ADGRG1 (adhesion G protein-coupled receptor G1; plus strand). Cytogenetic location: 16q21.
Variant type: Microsatellite.
Coding change: c.-36+10587_-36+10601del on transcript NM_201525.4 (MANE Select); bases 10587 to 10601 of the intron after 36 bases upstream of the start codon, 15 bases deleted (CAACGGTTGCCAGGG).
Molecular consequence: intron variant.
Genome position (GRCh38, 1-based): chr16:57,639,389-57,639,403, CAACGGTTGCCAGGG deleted; deleting any 15 consecutive bases within chr16:57,639,374-57,639,403 gives the same sequence; the c. name uses the placement nearest the transcript's 3' end. VCF-style (leftmost placement, unchanged base first): chr16-57639373-CCAACGGTTGCCAGGG-C. GRCh37 (hg19) VCF-style: chr16-57673285-CCAACGGTTGCCAGGG-C.
Other names: ADGRG1, 15-BP DEL, 144 BP UPSTREAM OF EXON 1M; c.-157-2198_-157-2184del (NM_001370440.1, NM_001370431.1, NM_001370437.1 and 1 more transcripts); c.-153-2202_-153-2188del (NM_001370428.1, NM_001370436.1, NM_001290142.2 and 6 more transcripts); c.-635-2202_-635-2188del (NM_001370451.1); c.-35-10864_-35-10850del (NM_001370430.1, NM_001370438.1, NM_001370435.1 and 4 more transcripts); c.-517-10864_-517-10850del (NM_001290143.2); c.-719-2202_-719-2188del (NM_001370453.1); c.-36+10587_-36+10601del (NM_001145773.3, NM_001370429.1); and 2 more.
Identifiers: ClinVar variation 127079 (VCV000127079.10), dbSNP rs587777312, ClinGen allele CA151366.
Genomic context (GRCh38, chr16:57,639,373, plus strand): 5'-TTACGGAGCCACGTTGCTTTGCTGGGTCTGAGCCGGGGTGTGACGTAGTCCCTGCAGCTG[CCAACGGTTGCCAGGG>C]CAACGGTTGCCAGGGGCTGCTGTCACCTGCGCCCCTTCTCCCGCGCTGGCGGCTGGGGCT-3'

ClinVar aggregate classification (germline): Pathogenic/Likely pathogenic. Review status: criteria provided, multiple submitters, no conflicts (2 of 4 stars). 5 submissions from 5 submitters: Pathogenic (1); Likely pathogenic (3). 1 of the submissions does not count toward it. Last evaluated 2025-09-21.

Conditions:
ADGRG1-related disorder. Also called: ADGRG1-related condition.
Polymicrogyria, bilateral perisylvian, autosomal recessive (CDCBM14B). Also called: CORTICAL DYSPLASIA, COMPLEX, WITH OTHER BRAIN MALFORMATIONS 14B (BILATERAL PERISYLVIAN). Identifiers: MedGen C3810405, MONDO:0014333, OMIM 615752.
Bilateral frontoparietal polymicrogyria. Also called: CEREBELLAR ATAXIA WITH NEURONAL MIGRATION DEFECT; CORTICAL DYSPLASIA, COMPLEX, WITH OTHER BRAIN MALFORMATIONS 14A (BILATERAL FRONTOPARIETAL). Identifiers: Orphanet 101070, MedGen C1847352, MONDO:0011738, OMIM 606854.

Submissions (5):

Natera, Inc.
Classification: Likely pathogenic for Bilateral frontoparietal polymicrogyria. Last evaluated: 2025-09-21. Review status: criteria provided, single submitter. Criteria: Natera Variant Classification Schema (03/2026). Collection method: clinical testing. Allele origin: germline.
Comment: The c.-153-2202_-153-2188delCAACGGTTGCCAGGG variant in ADGRG1 is a 5' untranslated region (UTR) variant located upstream of the translation start codon. This variant is rare in the general population with a frequency below the threshold expected for the associated phenotype(s). This variant has been observed in one or more individuals affected with the associated recessive disease, as either homozygous or compound heterozygous with a second variant (PMID: 24531968). Additionally, this variant has been observed to segregate in affected family members (PMID: 24531968). Functional studies show that this variant may disrupt protein function (PMID: 24531968). Computational prediction algorithms indicate this variant is likely to affect gene or protein function. Given the available evidence, this variant is classified as Likely Pathogenic.

Blueprint Genetics
Classification: Likely pathogenic for ADGRG1-related disorders. Last evaluated: 2024-05-23. Review status: criteria provided, single submitter. Criteria: ACMG Guidelines, 2015. Collection method: clinical testing. Allele origin: germline. Affected: yes. Observed: 3 variant alleles.

Labcorp Genetics (formerly Invitae), Labcorp
Classification: Pathogenic. Last evaluated: 2024-02-24. Review status: criteria provided, single submitter. Criteria: Invitae Variant Classification Sherloc (09022015). Collection method: clinical testing. Allele origin: germline.
Comment: This sequence change falls in intron 1 of the ADGRG1 gene. It does not directly change the encoded amino acid sequence of the ADGRG1 protein. This variant is present in population databases (no rsID available, gnomAD 0.01%). This variant has been observed in individuals with restricted polymicrogyria (PMID: 24531968). It has also been observed to segregate with disease in related individuals. Algorithms developed to predict the effect of variants on protein structure and function are not available or were not evaluated for this variant. Experimental studies have shown that this variant affects ADGRG1 function (PMID: 24531968). For these reasons, this variant has been classified as Pathogenic.

GeneDx
Classification: Likely pathogenic. Last evaluated: 2024-02-14. Review status: criteria provided, single submitter. Criteria: GeneDx Variant Classification Process June 2021. Collection method: clinical testing. Allele origin: germline. Affected: yes.
Comment: Published functional studies suggest this variant results in decreased expression in the lateral cortex and decreases binding of RFX-family transcription factors (PMID: 24531968); In silico analysis supports that this variant does not alter splicing; Not observed at significant frequency in large population cohorts (gnomAD); This variant is associated with the following publications: (PMID: 24531968)

OMIM
Classification: Pathogenic for CORTICAL DYSPLASIA, COMPLEX, WITH OTHER BRAIN MALFORMATIONS 14B (BILATERAL PERISYLVIAN). Last evaluated: 2014-02-14. Review status: no assertion criteria provided. Collection method: literature only. Allele origin: germline. Not counted in ClinVar's aggregate classification.

Literature cited by the submitters: PubMed 24531968 (cited by 3 submitters).